The following is an entry in ClinVar:

ClinVar aggregate classification (germline): Uncertain significance (1 of 4 stars; one submission).

Submission:

Labcorp Genetics (formerly Invitae), Labcorp
Classification: Uncertain significance. Last evaluated: 2024-02-20. Review status: criteria provided, single submitter. Criteria: Invitae Variant Classification Sherloc (09022015). Collection method: clinical testing. Allele origin: germline.
Comment: This sequence change replaces asparagine, which is neutral and polar, with isoleucine, which is neutral and non-polar, at codon 121 of the CHM protein (p.Asn121Ile). This variant is not present in population databases (gnomAD no frequency). This variant has not been reported in the literature in individuals affected with CHM-related conditions. An algorithm developed to predict the effect of missense changes on protein structure and function (PolyPhen-2) suggests that this variant is likely to be disruptive. In summary, the available evidence is currently insufficient to determine the role of this variant in disease. Therefore, it has been classified as a Variant of Uncertain Significance.

NM_000390.4(CHM):c.362A>T (p.Asn121Ile)

Genes: CHM (CHM Rab escort protein; minus strand), LOC129391306 (MPRA-validated peak7401 silencer; plus strand). Cytogenetic location: Xq21.2.
Variant type: single nucleotide variant.
Coding change: c.362A>T on transcript NM_000390.4 (MANE Select); coding-DNA position 362, A replaced by T.
Protein change: p.Asn121Ile; replaces asparagine 121 with isoleucine.
Molecular consequence: missense variant. On other transcripts: 5 prime UTR variant (4).
Genome position (GRCh38, 1-based): chrX:85,964,005, T>A on the plus strand (A>T on the coding strand, the complement: CHM is on the minus strand). VCF-style: chrX-85964005-T-A. GRCh37 (hg19) VCF-style: chrX-85219010-T-A.
Other names: c.-83A>T (NM_001320959.1, NM_001362517.1, NM_001362518.2 and 1 more transcripts); short protein forms N121I.
Identifiers: ClinVar variation 3683620 (VCV003683620.2).
Genomic context (GRCh38, chrX:85,964,005, plus strand): 5'-GTAGGCAGGAAGGCAGAATCTGCAGCTTCTGTGGAGTTTGCAGATGTCACAAGAGCATGA[T>A]TTTTCTGCAGTGCACCAGCTTCTTCGACATCTTCATGCAAATCCTGACTAATAAGAAATA-3'
Protein context (NP_000381.1, residues 111-131): DVEEAGALQK[Asn121Ile]HALVTSANST